The following is an entry in ClinVar:

NM_015466.4(PTPN23):c.3586C>T (p.Arg1196Ter)

Gene: PTPN23 (protein tyrosine phosphatase non-receptor type 23; plus strand). Cytogenetic location: 3p21.31.
Variant type: single nucleotide variant.
Coding change: c.3586C>T on transcript NM_015466.4 (MANE Select); coding-DNA position 3586, C replaced by T.
Protein change: p.Arg1196Ter; replaces arginine 1196 with a stop codon.
Molecular consequence: nonsense.
Genome position (GRCh38, 1-based): chr3:47,411,384, C>T. VCF-style: chr3-47411384-C-T. GRCh37 (hg19) VCF-style: chr3-47452874-C-T.
Other names: c.3208C>T, p.Arg1070Ter (NM_001304482.2); short protein forms R1196*, R1070*.
Identifiers: ClinVar variation 915883 (VCV000915883.4), dbSNP rs151119137, ClinGen allele CA352562903.

ClinVar aggregate classification (germline): Pathogenic. Review status: criteria provided, single submitter (1 of 4 stars). 2 submissions from 2 submitters: Pathogenic (1). 1 of the submissions does not count toward it. Last evaluated 2025-10-07.

Conditions:
Neurodevelopmental disorder and structural brain anomalies with or without seizures and spasticity. Identifiers: MedGen C5394423, MONDO:0030046, OMIM 618890.

Submissions (2):

Labcorp Genetics (formerly Invitae), Labcorp
Classification: Pathogenic. Last evaluated: 2025-10-07. Review status: criteria provided, single submitter. Criteria: Invitae Variant Classification Sherloc (09022015). Collection method: clinical testing. Allele origin: germline.
Comment: This sequence change creates a premature translational stop signal (p.Arg1196*) in the PTPN23 gene. It is expected to result in an absent or disrupted protein product. Loss-of-function variants in PTPN23 are known to be pathogenic (PMID: 29090338, 29899372). The frequency data for this variant in the population databases is considered unreliable, as metrics indicate poor data quality at this position in the gnomAD database. This premature translational stop signal has been observed in individual(s) with developmental and epileptic encephalopathy (PMID: 29090338). ClinVar contains an entry for this variant (Variation ID: 915883). For these reasons, this variant has been classified as Pathogenic.

OMIM
Classification: Pathogenic for NEURODEVELOPMENTAL DISORDER AND STRUCTURAL BRAIN ANOMALIES WITH SEIZURES AND SPASTICITY. Last evaluated: 2020-05-28. Review status: no assertion criteria provided. Collection method: literature only. Allele origin: germline. Not counted in ClinVar's aggregate classification.

Literature cited by the submitters: PubMed 29090338 (cited by Labcorp Genetics (formerly Invitae), Labcorp and OMIM); PubMed 29899372 (cited by Labcorp Genetics (formerly Invitae), Labcorp).